The following is an entry in ClinVar:

NM_000059.4(BRCA2):c.5243_5246dup (p.Tyr1749Ter)

Gene: BRCA2 (BRCA2 DNA repair associated; plus strand). Cytogenetic location: 13q13.1.
Variant type: Duplication.
Coding change: c.5243_5246dup on transcript NM_000059.4 (MANE Select); coding-DNA positions 5243 to 5246, 4 bases duplicated (GCTA; older notation c.5243_5246dupGCTA).
Protein change: p.Tyr1749Ter; replaces tyrosine 1749 with a stop codon.
Molecular consequence: nonsense. On other transcripts: non-coding transcript variant (1), intron variant (2).
Genome position (GRCh38, 1-based): chr13:32,339,598-32,339,601, GCTA duplicated; duplicating any 4 consecutive bases within chr13:32,339,597-32,339,601 gives the same sequence; the c. name uses the placement nearest the transcript's 3' end. VCF-style (leftmost placement, unchanged base first): chr13-32339596-C-CAGCT. GRCh37 (hg19) VCF-style: chr13-32913733-C-CAGCT.
Other names: c.5243_5246dup, p.Tyr1749Ter (NM_001406719.1, NM_001406720.1, NM_001432077.1); c.1910-4960_1910-4957dup (NM_001406721.1); c.425-4960_425-4957dup (NM_001406722.1); c.5243_5246dupGCTA (NM_000059.3); short protein forms Y1749*.
Identifiers: ClinVar variation 3668579 (VCV003668579.3).
Genomic context (GRCh38, chr13:32,339,596, plus strand): 5'-TGACAAAAATCATCTCTCCGAAAAACAAGATACTTATTTAAGTAACAGTAGCATGTCTAA[C>CAGCT]AGCTATTCCTACCATTCTGATGAGGTATATAATGATTCAGGATATCTCTCAAAAAATAAA-3'

ClinVar aggregate classification (germline): Pathogenic. Review status: criteria provided, multiple submitters, no conflicts (2 of 4 stars). 2 submissions from 2 submitters: Pathogenic (2). Last evaluated 2025-06-18.

Conditions:
Hereditary breast ovarian cancer syndrome. Also called: BRCA1- and BRCA2-Associated Hereditary Breast and Ovarian Cancer; Hereditary breast and/or ovarian cancer syndrome; Hereditary breast and ovarian cancer syndrome; Hereditary breast and ovarian cancer syndrome (HBOC); Breast and ovarian cancer; Hereditary breast and ovarian cancer. Identifiers: Orphanet 145, MedGen C0677776, MeSH D061325, MONDO:0003582. Disease mechanism: loss of function.
Hereditary cancer-predisposing syndrome. Also called: Hereditary Cancer Syndrome; Hereditary neoplastic syndrome; Neoplastic Syndromes, Hereditary; Tumor predisposition. Identifiers: Orphanet 140162, MedGen C0027672, MeSH D009386, MONDO:0015356.

Submissions (2):

Ambry Genetics
Classification: Pathogenic for Hereditary cancer-predisposing syndrome. Last evaluated: 2025-06-18. Review status: criteria provided, single submitter. Criteria: Ambry Variant Classification Scheme 2023. Collection method: clinical testing. Allele origin: germline.
Comment: The c.5243_5246dupGCTA pathogenic mutation, located in coding exon 10 of the BRCA2 gene, results from a duplication of GCTA at nucleotide position 5243, causing a translational frameshift with a predicted alternate stop codon (p.Y1749*). This variant is considered to be rare based on population cohorts in the Genome Aggregation Database (gnomAD). This alteration is expected to result in loss of function by premature protein truncation or nonsense-mediated mRNA decay. As such, this alteration is interpreted as a disease-causing mutation.

Labcorp Genetics (formerly Invitae), Labcorp
Classification: Pathogenic for Hereditary breast ovarian cancer syndrome. Last evaluated: 2024-12-24. Review status: criteria provided, single submitter. Criteria: Invitae Variant Classification Sherloc (09022015). Collection method: clinical testing. Allele origin: germline.
Comment: This sequence change creates a premature translational stop signal (p.Tyr1749*) in the BRCA2 gene. It is expected to result in an absent or disrupted protein product. Loss-of-function variants in BRCA2 are known to be pathogenic (PMID: 20104584). This variant is not present in population databases (gnomAD no frequency). This variant has not been reported in the literature in individuals affected with BRCA2-related conditions. For these reasons, this variant has been classified as Pathogenic.

Literature cited by the submitters: PubMed 20104584 (cited by Labcorp Genetics (formerly Invitae), Labcorp).